The following is an entry in ClinVar:

ClinVar aggregate classification (germline): Uncertain significance. Review status: criteria provided, multiple submitters, no conflicts (2 of 4 stars). 2 submissions from 2 submitters: Uncertain significance (2). Last evaluated 2024-02-06.

Conditions:
Fanconi anemia (FA). Also called: Fanconi's anemia. Identifiers: Orphanet 84, MedGen C0015625, MeSH D005199, MONDO:0019391.
Fanconi anemia complementation group F. Also called: FANCF-Related Fanconi Anemia. Identifiers: Orphanet 84, MedGen C3469526, MONDO:0011325, OMIM 603467.

Allele frequency attached by ClinVar (database versions not stated): TOPMed below 0.00001; gnomAD 0.00003; gnomAD exomes 0.00003 and 0.00006; ExAC 0.00004; 1000 Genomes Project 30x 0.00031; 1000 Genomes Project 0.00040.
gnomAD v4.1: 50 of 1,614,168 alleles (0.0031%); highest among the groups gnomAD compares: South Asian, 0.053%; no homozygotes.

Submissions (2):

Fulgent Genetics
Classification: Uncertain significance for Fanconi anemia complementation group F. Last evaluated: 2024-02-06. Review status: criteria provided, single submitter. Criteria: ACMG Guidelines, 2015. Collection method: clinical testing. Allele origin: germline.

Labcorp Genetics (formerly Invitae), Labcorp
Classification: Uncertain significance for Fanconi anemia. Last evaluated: 2022-08-09. Review status: criteria provided, single submitter. Criteria: Invitae Variant Classification Sherloc (09022015). Collection method: clinical testing. Allele origin: germline.
Comment: This sequence change replaces glycine, which is neutral and non-polar, with valine, which is neutral and non-polar, at codon 296 of the FANCF protein (p.Gly296Val). This variant is present in population databases (rs571674814, gnomAD 0.05%). This variant has not been reported in the literature in individuals affected with FANCF-related conditions. ClinVar contains an entry for this variant (Variation ID: 1422476). Algorithms developed to predict the effect of missense changes on protein structure and function are either unavailable or do not agree on the potential impact of this missense change (SIFT: "Tolerated"; PolyPhen-2: "Possibly Damaging"; Align-GVGD: "Class C0"). In summary, the available evidence is currently insufficient to determine the role of this variant in disease. Therefore, it has been classified as a Variant of Uncertain Significance.

NM_022725.4(FANCF):c.887G>T (p.Gly296Val)

Genes: FANCF (FA complementation group F; minus strand), LOC130005444 (ATAC-STARR-seq lymphoblastoid active region 4534; plus strand). Cytogenetic location: 11p14.3.
Variant type: single nucleotide variant.
Coding change: c.887G>T on transcript NM_022725.4 (MANE Select); coding-DNA position 887, G replaced by T.
Protein change: p.Gly296Val; replaces glycine 296 with valine.
Molecular consequence: missense variant.
Genome position (GRCh38, 1-based): chr11:22,624,924, C>A on the plus strand (G>T on the coding strand, the complement: FANCF is on the minus strand). VCF-style: chr11-22624924-C-A. GRCh37 (hg19) VCF-style: chr11-22646470-C-A.
Other names: short protein forms G296V.
Identifiers: ClinVar variation 1422476 (VCV001422476.6), dbSNP rs571674814, ClinGen allele CA5924237.